The following is an entry in ClinVar:

NM_005918.4(MDH2):c.66+3A>C

Gene: MDH2 (malate dehydrogenase 2; plus strand). Cytogenetic location: 7q11.23.
Variant type: single nucleotide variant.
Coding change: c.66+3A>C on transcript NM_005918.4 (MANE Select); 3 bases into the intron after coding-DNA position 66, A replaced by C.
Molecular consequence: intron variant.
Genome position (GRCh38, 1-based): chr7:76,048,229, A>C. VCF-style: chr7-76048229-A-C. GRCh37 (hg19) VCF-style: chr7-75677547-A-C.
Other names: c.66+3A>C (NM_001282403.2); c.-87+3A>C (NM_001282404.2).
Identifiers: ClinVar variation 2135239 (VCV002135239.4), dbSNP rs1336789978, ClinGen allele CA842301493.
Genomic context (GRCh38, chr7:76,048,229, plus strand): 5'-CGCCCTCGCCCGGCCTGCCAGCGCTGCTCTCCGCCGCAGCTTCAGCACCTCGGCCCAGGT[A>C]GGCCAGACGAGGGGCGGCCTGCAGGCGGAGGCCCCCCGGCCCGGGCCACGTGCGTCCCCG-3'

ClinVar aggregate classification (germline): Uncertain significance (1 of 4 stars; one submission).

Allele frequency attached by ClinVar (database versions not stated): gnomAD 0.00001; TOPMed 0.00002.
gnomAD v4.1: 1 of 1,533,344 alleles (0.000065%); highest among the groups gnomAD compares: African/African-American, 0.0014%; no homozygotes.

Submission:

Labcorp Genetics (formerly Invitae), Labcorp
Classification: Uncertain significance. Last evaluated: 2022-05-07. Review status: criteria provided, single submitter. Criteria: Invitae Variant Classification Sherloc (09022015). Collection method: clinical testing. Allele origin: germline.
Comment: In summary, the available evidence is currently insufficient to determine the role of this variant in disease. Therefore, it has been classified as a Variant of Uncertain Significance. Variants that disrupt the consensus splice site are a relatively common cause of aberrant splicing (PMID: 17576681, 9536098). Algorithms developed to predict the effect of sequence changes on RNA splicing suggest that this variant may disrupt the consensus splice site. This variant has not been reported in the literature in individuals affected with MDH2-related conditions. This variant is not present in population databases (gnomAD no frequency). This sequence change falls in intron 1 of the MDH2 gene. It does not directly change the encoded amino acid sequence of the MDH2 protein. It affects a nucleotide within the consensus splice site.

Literature cited by the submitters: PubMed 17576681; PubMed 9536098.